The following is an entry in ClinVar:

ClinVar aggregate classification (germline): Pathogenic. Review status: criteria provided, multiple submitters, no conflicts (2 of 4 stars). 5 submissions from 5 submitters: Pathogenic (4). 1 of the submissions does not count toward it. Last evaluated 2023-09-17.

Conditions:
Acute aortic dissection. Identifiers: MedGen C0241868.
Congenital aneurysm of ascending aorta (AAT1). Also called: AORTIC ANEURYSM, FAMILIAL THORACIC 1; ANNULOAORTIC ECTASIA; Familial thoracic aortic aneurysm; Aortic aneurysm, thoracic. Identifiers: Orphanet 229, MedGen C0345050, MONDO:0024559, OMIM 607086.
Familial thoracic aortic aneurysm and aortic dissection (TAAD). Also called: Thoracic aortic aneurysms and dissections. Identifiers: Orphanet 91387, MedGen C4707243, MONDO:0019625.
Marfan syndrome (MFS). Also called: MARFAN SYNDROME, TYPE I; FBN1-Related Marfan Syndrome; Marfan syndrome type 1; Marfan's syndrome; Marfan syndrome, classic. Identifiers: Orphanet 284963, Orphanet 558, MedGen C0024796, MONDO:0007947, OMIM 154700.

Submissions (5):

All of Us Research Program, National Institutes of Health
Classification: Pathogenic for Marfan syndrome. Last evaluated: 2023-09-17. Review status: criteria provided, single submitter. Criteria: ACMG Guidelines, 2015. Collection method: clinical testing. Allele origin: germline. Inheritance: Autosomal dominant inheritance. Observed: 1 variant allele, 1 heterozygote.
Comment: This variant changes 1 nucleotide in exon 62 of the FBN1 gene, creating a premature translation stop signal. This variant is expected to result in an absent or non-functional protein product. This variant has been reported in an individual affected with familial thoracic aortic aneurysm and dissection (PMID: 26621581) and in another individual affected with Marfan syndrome (PMID: 35943490). This variant has not been identified in the general population by the Genome Aggregation Database (gnomAD). Loss of FBN1 function is a known mechanism of disease. Based on the available evidence, this variant is classified as Pathogenic.

This study involves interpretation of variants in research participants for the purpose of population health screening. Participant phenotype was not available at the time of variant classification. Additional details can be found in publication PMID: 35346344, PMCID: PMC8962531

Laboratory for Molecular Medicine, Mass General Brigham Personalized Medicine
Classification: Pathogenic for Marfan syndrome. Last evaluated: 2018-03-23. Review status: criteria provided, single submitter. Criteria: LMM Criteria. Collection method: clinical testing. Allele origin: germline. Inheritance: Autosomal dominant inheritance. Observed: 1 variant allele.
Comment: The p.Cys2552X variant in FBN1 has been reported in 1 individual with clinical f eatures of Marfan syndrome (Regalado 2016) and was absent from large population studies. This variant has been reported in ClinVar by other clinical laboratorie s (Variation ID: 439701). This nonsense variant leads to a premature termination codon at position 2552, which is predicted to lead to a truncated or absent pro tein. Heterozygous loss of function of the FBN1 gene is an established disease m echanism in individuals with Marfan syndrome. In summary, this variant meets cri teria to be classified as pathogenic for Marfan syndrome in an autosomal dominan t manner based upon the predicted impact to the protein, presence in an affected individual, and absence from controls. ACMG/AMP Criteria applied (Richards 2015 ): PVS1; PM2; PS4_Supporting.

Ambry Genetics
Classification: Pathogenic for Familial thoracic aortic aneurysm and aortic dissection. Last evaluated: 2018-01-15. Review status: criteria provided, single submitter. Criteria: Ambry Variant Classification Scheme 2023. Collection method: clinical testing. Allele origin: germline.
Comment: The p.C2552* pathogenic mutation (also known as c.7656C>A), located in coding exon 61 of the FBN1 gene, results from a C to A substitution at nucleotide position 7656. This changes the amino acid from a cysteine to a stop codon within coding exon 61. This alteration was detected in a proband reported to have type A aortic dissection, and family history of aortic dissection (Regalado ES et al. Clin. Genet., 2016 Jun;89:719-23). In addition to the clinical data presented in the literature, this alteration is expected to result in loss of function by premature protein truncation or nonsense-mediated mRNA decay. As such, this alteration is interpreted as a disease-causing mutation.

ARUP Laboratories, Molecular Genetics and Genomics, ARUP Laboratories
Classification: Pathogenic. Last evaluated: 2017-06-01. Review status: criteria provided, single submitter. Criteria: ARUP Molecular Germline Variant Investigation Process. Collection method: clinical testing. Allele origin: germline.

University of Washington Center for Mendelian Genomics, University of Washington
Classification: Likely pathogenic for Familial thoracic aortic aneurysms; Acute aortic dissections. Last evaluated: 2016-01-20. Review status: no assertion criteria provided. Collection method: research. Allele origin: unknown. Affected: yes. Not counted in ClinVar's aggregate classification.

Literature cited by the submitters: PubMed 26621581 (cited by 4 submitters); PubMed 35943490 (cited by All of Us Research Program, National Institutes of Health).

NM_000138.5(FBN1):c.7656C>A (p.Cys2552Ter)

Gene: FBN1 (fibrillin 1; minus strand). Cytogenetic location: 15q21.1.
Variant type: single nucleotide variant.
Coding change: c.7656C>A on transcript NM_000138.5 (MANE Select); coding-DNA position 7656, C replaced by A.
Protein change: p.Cys2552Ter; replaces cysteine 2552 with a stop codon.
Molecular consequence: nonsense.
Genome position (GRCh38, 1-based): chr15:48,421,601, G>T on the plus strand (C>A on the coding strand, the complement: FBN1 is on the minus strand). VCF-style: chr15-48421601-G-T. GRCh37 (hg19) VCF-style: chr15-48713798-G-T.
Other names: p.Cys2552X; short protein forms C2552*.
Identifiers: ClinVar variation 439701 (VCV000439701.14), dbSNP rs1555394195, ClinGen allele CA392325096.